The following is an entry in ClinVar:

NM_016363.5(GP6):c.*304C>T

Gene: GP6 (glycoprotein VI platelet; minus strand). Cytogenetic location: 19q13.42.
Variant type: single nucleotide variant.
Coding change: c.*304C>T on transcript NM_016363.5 (MANE Select); 304 bases downstream of the stop codon, C replaced by T.
Molecular consequence: 3 prime UTR variant. On other transcripts: missense variant (1).
Genome position (GRCh38, 1-based): chr19:55,014,617, G>A on the plus strand (C>T on the coding strand, the complement: GP6 is on the minus strand). VCF-style: chr19-55014617-G-A. GRCh37 (hg19) VCF-style: chr19-55525985-G-A.
Other names: c.1328C>T, p.Ser443Phe (NM_001083899.2); c.*304C>T (NM_001256017.2); c.1328C>T (NM_001083899.1); short protein forms S443F.
Identifiers: ClinVar variation 3694596 (VCV003694596.3).

ClinVar aggregate classification (germline): Uncertain significance. Review status: criteria provided, multiple submitters, no conflicts (2 of 4 stars). 2 submissions from 2 submitters: Uncertain significance (2). Last evaluated 2025-10-22.

Conditions:
Inborn genetic diseases. Identifiers: MedGen C0950123, MeSH D030342.

gnomAD v4.1: 7 of 1,614,120 alleles (0.00043%); highest among the groups gnomAD compares: Admixed American, 0.005%; no homozygotes.

Submissions (2):

Ambry Genetics
Classification: Uncertain significance for Inborn genetic diseases. Last evaluated: 2025-10-22. Review status: criteria provided, single submitter. Criteria: Ambry Variant Classification Scheme 2023. Collection method: clinical testing. Allele origin: germline.

Labcorp Genetics (formerly Invitae), Labcorp
Classification: Uncertain significance. Last evaluated: 2024-07-15. Review status: criteria provided, single submitter. Criteria: Invitae Variant Classification Sherloc (09022015). Collection method: clinical testing. Allele origin: germline.
Comment: This sequence change replaces serine, which is neutral and polar, with phenylalanine, which is neutral and non-polar, at codon 443 of the GP6 protein (p.Ser443Phe). This variant is present in population databases (no rsID available, gnomAD 0.006%). This variant has not been reported in the literature in individuals affected with GP6-related conditions. An algorithm developed to predict the effect of missense changes on protein structure and function (PolyPhen-2) suggests that this variant is likely to be disruptive. In summary, the available evidence is currently insufficient to determine the role of this variant in disease. Therefore, it has been classified as a Variant of Uncertain Significance.